The following is an entry in ClinVar:

NM_000632.4(ITGAM):c.1450G>A (p.Glu484Lys)

Gene: ITGAM (integrin subunit alpha M; plus strand). Cytogenetic location: 16p11.2.
Variant type: single nucleotide variant.
Coding change: c.1450G>A on transcript NM_000632.4 (MANE Select); coding-DNA position 1450, G replaced by A.
Protein change: p.Glu484Lys; replaces glutamic acid 484 with lysine.
Molecular consequence: missense variant.
Genome position (GRCh38, 1-based): chr16:31,297,607, G>A. VCF-style: chr16-31297607-G-A. GRCh37 (hg19) VCF-style: chr16-31308928-G-A.
Other names: c.1450G>A, p.Glu484Lys (NM_001145808.2); short protein forms E484K.
Identifiers: ClinVar variation 1465657 (VCV001465657.8), dbSNP rs541727151, ClinGen allele CA8025550.

ClinVar aggregate classification (germline): Uncertain significance (1 of 4 stars; one submission).

Allele frequency attached by ClinVar (database versions not stated): gnomAD 0.00002 and 0.00003; TOPMed 0.00001; gnomAD exomes 0.00004 and 0.00006; ExAC 0.00007; 1000 Genomes Project 30x 0.00016; 1000 Genomes Project 0.00020.
gnomAD v4.1: 76 of 1,613,066 alleles (0.0047%); highest among the groups gnomAD compares: Non-Finnish European, 0.0036%; no homozygotes.

Submission:

Labcorp Genetics (formerly Invitae), Labcorp
Classification: Uncertain significance. Last evaluated: 2026-01-07. Review status: criteria provided, single submitter. Criteria: Invitae Variant Classification Sherloc (09022015). Collection method: clinical testing. Allele origin: germline.
Comment: This sequence change replaces glutamic acid, which is acidic and polar, with lysine, which is basic and polar, at codon 484 of the ITGAM protein (p.Glu484Lys). This variant is present in population databases (rs541727151, gnomAD 0.02%). This variant has not been reported in the literature in individuals affected with ITGAM-related conditions. ClinVar contains an entry for this variant (Variation ID: 1465657). An algorithm developed to predict the effect of missense changes on protein structure and function (PolyPhen-2) suggests that this variant is likely to be disruptive. In summary, the available evidence is currently insufficient to determine the role of this variant in disease. Therefore, it has been classified as a Variant of Uncertain Significance.